The following is an entry in ClinVar:

ClinVar aggregate classification (germline): Conflicting classifications of pathogenicity. Review status: criteria provided, conflicting classifications (1 of 4 stars). 2 submissions from 2 submitters: Likely pathogenic (1); Uncertain significance (1). Last evaluated 2024-09-05.

Conditions:
CDKL5 disorder. Identifiers: MedGen CN296942, MONDO:0100039.
Developmental and epileptic encephalopathy, 2 (DEE2). Also called: CDKL5 deficiency disorder; INFANTILE SPASM SYNDROME, X-LINKED 2. Identifiers: Orphanet 1934, Orphanet 3451, Orphanet 505652, MedGen C4750718, MONDO:0010396, OMIM 300672.

Submissions (2):

Centre for Population Genomics, CPG
Classification: Uncertain significance for CDKL5 disorder. Last evaluated: 2024-09-05. Review status: criteria provided, single submitter. Criteria: McKnight et al. (Hum Mutat. 2022). Collection method: curation. Allele origin: germline. Inheritance: X-linked inheritance.
Comment: This variant has been collected from RettBASE and curated to current modified ACMG/AMP criteria. Based on the classification scheme defined by the ClinGen Rett/Angelman-like Expert Panel for Rett/AS-like Disorders Specifications to the ACMG/AMP Variant Interpretation Guidelines VCEP 3.0, this variant is classified as variant of uncertain significance. At least the following criteria are met: This variant is absent from gnomAD (PM2_Supporting). Has been observed in at least 2 individuals with phenotypes consistent with CDKL5 disorder (PS4_Supporting, PMID: 25657822, PMID: 22872100).

Diagnostic Genetics, Severance Hospital, Yonsei University College of Medicine
Classification: Likely pathogenic for Developmental and epileptic encephalopathy, 2. Last evaluated: 2022-02-03. Review status: criteria provided, single submitter. Criteria: ACMG Guidelines, 2015. Collection method: clinical testing. Allele origin: de novo. Affected: yes.

NM_001323289.2(CDKL5):c.595T>C (p.Cys199Arg)

Gene: CDKL5 (cyclin dependent kinase like 5; plus strand). Cytogenetic location: Xp22.13.
Variant type: single nucleotide variant.
Coding change: c.595T>C on transcript NM_001323289.2 (MANE Select); coding-DNA position 595, T replaced by C.
Protein change: p.Cys199Arg; replaces cysteine 199 with arginine.
Molecular consequence: missense variant.
Genome position (GRCh38, 1-based): chrX:18,587,994, T>C. VCF-style: chrX-18587994-T-C. GRCh37 (hg19) VCF-style: chrX-18606114-T-C.
Other names: NM_001323289.2(CDKL5):c.595T>C; p.Cys199Arg; c.595T>C, p.Cys199Arg (NM_001037343.2, NM_003159.3); short protein forms C199R.
Identifiers: ClinVar variation 1803089 (VCV001803089.2), dbSNP rs2518857335, ClinGen allele CA412353178.